The following is an entry in ClinVar:

ClinVar aggregate classification (germline): Uncertain significance (1 of 4 stars; one submission).

Submission:

GeneDx
Classification: Uncertain significance. Last evaluated: 2026-02-04. Review status: criteria provided, single submitter. Criteria: GeneDx Variant Classification Process June 2021. Collection method: clinical testing. Allele origin: germline.
Comment: Not observed at significant frequency in large population cohorts (gnomAD); In silico analysis suggests that this missense variant does not alter protein structure/function; Has not been previously published as pathogenic or benign to our knowledge

NM_020338.4(ZMIZ1):c.922G>A (p.Glu308Lys)

Gene: ZMIZ1 (zinc finger MIZ-type containing 1; plus strand). Cytogenetic location: 10q22.3.
Variant type: single nucleotide variant.
Coding change: c.922G>A on transcript NM_020338.4 (MANE Select); coding-DNA position 922, G replaced by A.
Protein change: p.Glu308Lys; replaces glutamic acid 308 with lysine.
Molecular consequence: missense variant.
Genome position (GRCh38, 1-based): chr10:79,292,321, G>A. VCF-style: chr10-79292321-G-A. GRCh37 (hg19) VCF-style: chr10-81052078-G-A.
Other names: short protein forms E308K.
Identifiers: ClinVar variation 3769894 (VCV003769894.2).